The following is an entry in ClinVar:

NM_024675.4(PALB2):c.2978_2994del (p.Thr993fs)

Gene: PALB2 (partner and localizer of BRCA2; minus strand). Cytogenetic location: 16p12.2.
Variant type: Deletion.
Coding change: c.2978_2994del on transcript NM_024675.4 (MANE Select); coding-DNA positions 2978 to 2994, 17 bases deleted (CGTTTGCAGAAGATGGA).
Protein change: p.Thr993fs; shifts the reading frame from threonine 993.
Molecular consequence: frameshift variant. On other transcripts: intron variant (1).
Genome position (GRCh38, 1-based): chr16:23,622,971-23,622,987, TCCATCTTCTGCAAACG deleted on the plus strand (CGTTTGCAGAAGATGGA on the coding strand, the reverse complement: PALB2 is on the minus strand); deleting any 17 consecutive bases within chr16:23,622,971-23,622,989 gives the same sequence; the c. name uses the placement nearest the transcript's 3' end. VCF-style (leftmost placement, unchanged base first): chr16-23622970-CTCCATCTTCTGCAAACG-C. GRCh37 (hg19) VCF-style: chr16-23634291-CTCCATCTTCTGCAAACG-C.
Other names: c.2918_2934del, p.Thr973fs (NM_001407296.1); c.2906_2922del, p.Thr969fs (NM_001407297.1); c.2816_2832del, p.Thr939fs (NM_001407298.1, NM_001407302.1); c.2978_2994del, p.Thr993fs (NM_001407299.1, NM_001407301.1); c.2093_2109del, p.Thr698fs (NM_001407304.1, NM_001407305.1, NM_001407306.1 and 4 more transcripts); c.1931_1947del, p.Thr644fs (NM_001407307.1); c.1190_1206del, p.Thr397fs (NM_001407312.1, NM_001407313.1); c.512_528del, p.Thr171fs (NM_001407314.1); and 1 more; short protein forms T171fs, T397fs, T644fs, T698fs, T939fs, T969fs, T973fs, T993fs.
Identifiers: ClinVar variation 2674152 (VCV002674152.1), dbSNP rs2506331963, ClinGen allele CA2695197593.

ClinVar aggregate classification (germline): Pathogenic (1 of 4 stars; one submission).

Conditions:
Familial cancer of breast. Also called: Hereditary breast cancer; BREAST CANCER, FAMILIAL; hereditary breast carcinoma. Identifiers: Orphanet 227535, MedGen C0346153, MONDO:0016419, OMIM 114480. Disease mechanism: loss of function.

Submission:

Myriad Genetics, Inc.
Classification: Pathogenic for Familial cancer of breast. Last evaluated: 2023-09-14. Review status: criteria provided, single submitter. Criteria: Myriad Autosomal Dominant, Autosomal Recessive and X-Linked Classification Criteria (2023). Collection method: clinical testing. Allele origin: unknown.
Comment: This variant is considered pathogenic. This variant creates a frameshift predicted to result in premature protein truncation.